The following is an entry in ClinVar:

NM_000059.4(BRCA2):c.5335G>A (p.Val1779Ile)

Gene: BRCA2 (BRCA2 DNA repair associated; plus strand). Cytogenetic location: 13q13.1.
Variant type: single nucleotide variant.
Coding change: c.5335G>A on transcript NM_000059.4 (MANE Select); coding-DNA position 5335, G replaced by A.
Protein change: p.Val1779Ile; replaces valine 1779 with isoleucine.
Molecular consequence: missense variant.
Genome position (GRCh38, 1-based): chr13:32,339,690, G>A. VCF-style: chr13-32339690-G-A. GRCh37 (hg19) VCF-style: chr13-32913827-G-A.
Other names: 5563G>A; short protein forms V1779I.
Identifiers: ClinVar variation 96819 (VCV000096819.25), dbSNP rs431825329, ClinGen allele CA022034.

ClinVar aggregate classification (germline): Conflicting classifications of pathogenicity. Review status: criteria provided, conflicting classifications (1 of 4 stars). 10 submissions from 10 submitters: Uncertain significance (4); Likely benign (5). 1 of the submissions does not count toward it. Last evaluated 2026-09-11.

Conditions:
BRCA2-related cancer predisposition. Identifiers: MedGen CN377758, MONDO:0700269.
Hereditary cancer-predisposing syndrome. Also called: Tumor predisposition; Hereditary Cancer Syndrome; Neoplastic Syndromes, Hereditary; Hereditary neoplastic syndrome. Identifiers: Orphanet 140162, MedGen C0027672, MeSH D009386, MONDO:0015356.
Breast-ovarian cancer, familial, susceptibility to, 2 (BROVCA2). Also called: BRCA2 Hereditary Breast and Ovarian Cancer. Identifiers: Orphanet 145, MedGen C2675520, MONDO:0012933, OMIM 612555. Disease mechanism: loss of function.
Hereditary breast ovarian cancer syndrome. Also called: Hereditary breast and ovarian cancer; Hereditary breast and ovarian cancer syndrome (HBOC); BRCA1- and BRCA2-Associated Hereditary Breast and Ovarian Cancer; Hereditary breast and/or ovarian cancer syndrome; Hereditary breast and ovarian cancer syndrome; Breast and ovarian cancer. Identifiers: Orphanet 145, MedGen C0677776, MeSH D061325, MONDO:0003582. Disease mechanism: loss of function.

Allele frequency attached by ClinVar (database versions not stated): gnomAD exomes 0.00002 and 0.00001; TOPMed below 0.00001; gnomAD 0.00001 and below 0.00001; ExAC 0.00002.
gnomAD v4.1: 17 of 1,612,552 alleles (0.0011%); highest among the groups gnomAD compares: South Asian, 0.018%; 1 homozygote.

Submissions (10):

German Consortium for Hereditary Breast and Ovarian Cancer, University Hospital Cologne
Classification: Likely benign for Hereditary breast ovarian cancer syndrome. Last evaluated: 2026-09-11. Review status: criteria provided, single submitter. Criteria: ClinGen BRCA2 1.2.0. Collection method: curation. Allele origin: germline.
Comment: This classification follows the ClinGen ENIGMA BRCA2 v1.2.0 classification scheme; We chose these criteria: BP1 (strong benign): Variant outside a (potentially) clinically important functional domain AND no splicing predicted (SpliceAI ≤0.1). , BS1 (supporting benign): gnomAF v2.1.1 (non-cancer) Grpmax Filtering AF = 0.00002605 (= 0.0026%, thus > 0.002%)

Labcorp Genetics (formerly Invitae), Labcorp
Classification: Uncertain significance for Hereditary breast ovarian cancer syndrome. Last evaluated: 2025-11-27. Review status: criteria provided, single submitter. Criteria: Invitae Variant Classification Sherloc (09022015). Collection method: clinical testing. Allele origin: germline.
Comment: This sequence change replaces valine, which is neutral and non-polar, with isoleucine, which is neutral and non-polar, at codon 1779 of the BRCA2 protein (p.Val1779Ile). This variant is present in population databases (rs431825329, gnomAD 0.01%). This variant has not been reported in the literature in individuals affected with BRCA2-related conditions. ClinVar contains an entry for this variant (Variation ID: 96819). Invitae Evidence Modeling of protein sequence and biophysical properties (such as structural, functional, and spatial information, amino acid conservation, physicochemical variation, residue mobility, and thermodynamic stability) indicates that this missense variant is not expected to disrupt BRCA2 protein function with a negative predictive value of 95%. In summary, the available evidence is currently insufficient to determine the role of this variant in disease. Therefore, it has been classified as a Variant of Uncertain Significance.

Color Diagnostics, LLC DBA Color Health
Classification: Likely benign for Hereditary cancer-predisposing syndrome. Last evaluated: 2025-07-10. Review status: criteria provided, single submitter. Criteria: ACMG Guidelines, 2015. Collection method: clinical testing. Allele origin: germline.

Ambry Genetics
Classification: Likely benign for Hereditary cancer-predisposing syndrome. Last evaluated: 2024-03-20. Review status: criteria provided, single submitter. Criteria: Ambry Variant Classification Scheme 2023. Collection method: clinical testing. Allele origin: germline.

Department of Pathology and Laboratory Medicine, Sinai Health System
Classification: Likely benign for BRCA2-related cancer predisposition. Last evaluated: 2023-12-13. Review status: criteria provided, single submitter. Criteria: ACMG Guidelines, 2015. Collection method: clinical testing. Allele origin: germline.

KCCC/NGS Laboratory, Kuwait Cancer Control Center
Classification: Uncertain significance for Breast-ovarian cancer, familial, susceptibility to, 2. Last evaluated: 2023-06-06. Review status: criteria provided, single submitter. Criteria: ACMG Guidelines, 2015. Collection method: clinical testing. Allele origin: germline. Affected: yes.
Comment: BRCA2 c.5335G>A (p.Val1779Ile) results in a conservative amino acid change in the encoded protein sequence. Five of five in-silico tools predict a benign effect of the variant on protein function. The variant allele was found at a frequency of 1.6e-05 in 245632 control chromosomes (gnomAD). The available data on variant occurrences in the general population are insufficient to allow any conclusion about variant significance. To our knowledge, no occurrence of c.5335G>A in individuals affected with Hereditary Breast and Ovarian Cancer. Six ClinVar submissions from clinical diagnostic laboratories (evaluation after 2014) cite the variant as uncertain significance. Based on the evidence outlined above, the variant was classified as uncertain significance.

University of Washington Department of Laboratory Medicine, University of Washington
Classification: Likely benign for Hereditary cancer-predisposing syndrome. Last evaluated: 2023-03-23. Review status: criteria provided, single submitter. Criteria: Dines et al. (Genet Med. 2020). Collection method: curation. Allele origin: germline.
Comment: Missense variant in a coldspot region where missense variants are very unlikely to be pathogenic (PMID:31911673).

BRCA2 exon 11 coldspot. Reclassification based on statistical prior probability.

Women's Health and Genetics/Laboratory Corporation of America, LabCorp
Classification: Uncertain significance. Last evaluated: 2019-03-22. Review status: criteria provided, single submitter. Criteria: LabCorp Variant Classification Summary - May 2015. Collection method: clinical testing. Allele origin: germline.
Comment: Variant summary: BRCA2 c.5335G>A (p.Val1779Ile) results in a conservative amino acid change in the encoded protein sequence. Five of five in-silico tools predict a benign effect of the variant on protein function. The variant allele was found at a frequency of 1.6e-05 in 245632 control chromosomes (gnomAD). The available data on variant occurrences in the general population are insufficient to allow any conclusion about variant significance. To our knowledge, no occurrence of c.5335G>A in individuals affected with Hereditary Breast and Ovarian Cancer and no experimental evidence demonstrating its impact on protein function have been reported. Three ClinVar submissions from clinical diagnostic laboratories (evaluation after 2014) cite the variant as uncertain significance. Based on the evidence outlined above, the variant was classified as uncertain significance.

GeneDx
Classification: Uncertain significance. Last evaluated: 2016-10-06. Review status: criteria provided, single submitter. Criteria: GeneDx Variant Classification (06012015). Collection method: clinical testing. Allele origin: germline. Affected: yes.
Comment: This variant is denoted BRCA2 c.5335G>A at the cDNA level, p.Val1779Ile (V1779I) at the protein level, and results in the change of a Valine to an Isoleucine (GTT>ATT). Using alternate nomenclature, this variant would be defined as BRCA2 5563G>A. This variant has not, to our knowledge, been published in the literature as pathogenic or benign. BRCA2 Val1779Ile was not observed in approximately 6,500 individuals of European and African American ancestry in the NHLBI Exome Sequencing Project, suggesting it is not a common benign variant in these populations. Since Valine and Isoleucine share similar properties, this is considered a conservative amino acid substitution. BRCA2 Val1779Ile occurs at a position that is not conserved and is located in the region of interaction with RAD51 and POLH (Roy 2012, Buisson 2014). In silico analyses predict that this variant is unlikely to alter protein structure or function. Based on currently available evidence, it is unclear whether BRCA2 Val1779Ile is a pathogenic or benign variant. We consider it to be a variant of uncertain significance.

Sharing Clinical Reports Project (SCRP)
Classification: Uncertain significance for Breast-ovarian cancer, familial 2. Last evaluated: 2012-05-01. Review status: no assertion criteria provided. Collection method: clinical testing. Allele origin: germline. Not counted in ClinVar's aggregate classification.